The following is an entry in ClinVar:

ClinVar aggregate classification (germline): Pathogenic. Review status: criteria provided, multiple submitters, no conflicts (2 of 4 stars). 10 submissions from 10 submitters: Pathogenic (8). 2 of the submissions do not count toward it. Last evaluated 2025-12-01.

Conditions:
Colonic neoplasm. Also called: Colonic Neoplasms; Neoplasm of the colon. Identifiers: MedGen C0009375, MeSH D003110, MONDO:0005401, HP:0100273.
Gastric cancer. Also called: Malignant tumor of stomach; Stomach cancer. Identifiers: MedGen C0024623, MeSH D013274, MONDO:0001056, OMIM 613659, HP:0012126.
Hereditary cancer-predisposing syndrome. Also called: Neoplastic Syndromes, Hereditary; Hereditary Cancer Syndrome; Hereditary neoplastic syndrome; Tumor predisposition. Identifiers: Orphanet 140162, MedGen C0027672, MeSH D009386, MONDO:0015356.
Familial cancer of breast. Also called: hereditary breast carcinoma; BREAST CANCER, FAMILIAL; Hereditary breast cancer. Identifiers: Orphanet 227535, MedGen C0346153, MONDO:0016419, OMIM 114480. Disease mechanism: loss of function.
Breast-ovarian cancer, familial, susceptibility to, 5 (BROVCA5). Identifiers: MedGen C5830615, MONDO:0957530, OMIM 620442.

Submissions (10):

Dasa
Classification: Pathogenic for Breast-ovarian cancer, familial, susceptibility to, 5. Last evaluated: 2025-12-01. Review status: criteria provided, single submitter. Criteria: DASA Assertion Criteria. Collection method: clinical testing. Allele origin: germline.
Comment: NM_024675.4(PALB2):c.1671_1674del (p.Ile558Lysfs*2) is a frameshift variant in PALB2 predicted to alter the reading frame and introduce a premature termination codon and is predicted to result in an absent or altered protein product. Loss of function is an established disease mechanism for PALB2 (PMID: 17200668; PMID: 25099575; PMID: 31841383). The affected residue or protein region has prior evidence supporting clinical relevance. Published studies describe this variant in association with Breast-ovarian cancer, familial, susceptibility to, 5 (PMID: 36988593; PMID: 35353237; PMID: 35155181; PMID: 35264596; PMID: 27779110). Also, this variant is rare in population databases. Based on the currently available evidence, this variant is classified as pathogenic.

Labcorp Genetics (formerly Invitae), Labcorp
Classification: Pathogenic for Familial cancer of breast. Last evaluated: 2025-04-07. Review status: criteria provided, single submitter. Criteria: Invitae Variant Classification Sherloc (09022015). Collection method: clinical testing. Allele origin: germline.
Comment: This sequence change creates a premature translational stop signal (p.Ile558Lysfs*2) in the PALB2 gene. It is expected to result in an absent or disrupted protein product. Loss-of-function variants in PALB2 are known to be pathogenic (PMID: 17200668, 17200671, 17200672, 24136930, 25099575). This variant is present in population databases (no rsID available, gnomAD 0.0009%). This premature translational stop signal has been observed in individual(s) with breast cancer (PMID: 27779110). For these reasons, this variant has been classified as Pathogenic.

GeneDx
Classification: Pathogenic. Last evaluated: 2024-11-11. Review status: criteria provided, single submitter. Criteria: GeneDx Variant Classification Process June 2021. Collection method: clinical testing. Allele origin: germline. Affected: yes.
Comment: Frameshift variant predicted to result in protein truncation or nonsense mediated decay in a gene for which loss of function is a known mechanism of disease; Truncating variants in this gene are considered pathogenic by a well-established clinical consortium and/or database; Not observed at significant frequency in large population cohorts (gnomAD); This variant is associated with the following publications: (PMID: 36243179, 27779110, 35264596, 35155181, 35534704, 35957908, 35353237)

Myriad Genetics, Inc.
Classification: Pathogenic for Familial cancer of breast. Last evaluated: 2023-09-11. Review status: criteria provided, single submitter. Criteria: Myriad Autosomal Dominant, Autosomal Recessive and X-Linked Classification Criteria (2023). Collection method: clinical testing. Allele origin: unknown.
Comment: This variant is considered pathogenic. This variant creates a frameshift predicted to result in premature protein truncation.

Ambry Genetics
Classification: Pathogenic for Hereditary cancer-predisposing syndrome. Last evaluated: 2022-12-13. Review status: criteria provided, single submitter. Criteria: Ambry Variant Classification Scheme 2023. Collection method: clinical testing. Allele origin: germline.
Comment: The c.1671_1674delTATT pathogenic mutation, located in coding exon 4 of the PALB2 gene, results from a deletion of 4 nucleotides at nucleotide positions 1671 to 1674, causing a translational frameshift with a predicted alternate stop codon (p.I558Kfs*2). This alteration is expected to result in loss of function by premature protein truncation or nonsense-mediated mRNA decay. As such, this alteration is interpreted as a disease-causing mutation.

Laboratorio de Genetica e Diagnostico Molecular, Hospital Israelita Albert Einstein
Classification: Pathogenic for Familial cancer of breast. Last evaluated: 2021-10-06. Review status: criteria provided, single submitter. Criteria: ACMG Guidelines, 2015. Collection method: clinical testing. Allele origin: germline. Affected: yes.
Comment: ACMG classification criteria: PVS1 very strong, PS4 moderate, PM2 moderate

Quest Diagnostics Nichols Institute San Juan Capistrano
Classification: Pathogenic. Last evaluated: 2021-05-05. Review status: criteria provided, single submitter. Criteria: Quest Diagnostics criteria. Collection method: clinical testing. Allele origin: unknown.
Comment: This frameshift variant causes the premature termination of PALB2 protein synthesis. It has been reported in an individual with breast cancer in the published literature (PMID: 27779110 (2017)). Based on the available information, this variant is classified as pathogenic.

Mendelics
Classification: Pathogenic for Familial cancer of breast. Last evaluated: 2019-05-28. Review status: criteria provided, single submitter. Criteria: Mendelics Assertion Criteria 2017. Collection method: clinical testing. Allele origin: unknown.

Medical Genetics Laboratory, Umraniye Training and Research Hospital, University of Health Sciences
Classification: Pathogenic for Colonic neoplasm. Last evaluated: 2021-09-12. Review status: no assertion criteria provided. Collection method: clinical testing. Allele origin: germline. Inheritance: Autosomal dominant inheritance. Affected: yes. Observed: 1 heterozygote. Not counted in ClinVar's aggregate classification.

Laboratory for Genotyping Development, RIKEN
Classification: Pathogenic for Gastric cancer. Last evaluated: 2021-07-01. Review status: no assertion criteria provided. Collection method: research. Allele origin: germline. Not counted in ClinVar's aggregate classification.

Literature cited by the submitters: PubMed 36988593 (cited by Dasa and Laboratory for Genotyping Development, RIKEN); PubMed 35353237 (cited by Dasa); PubMed 35155181 (cited by Dasa); PubMed 35264596 (cited by Dasa); PubMed 27779110 (cited by 3 submitters); PubMed 27099641 (cited by Dasa and Ambry Genetics); PubMed 25099575 (cited by 3 submitters); PubMed 27469594 (cited by Dasa and Ambry Genetics); PubMed 17200668 (cited by 3 submitters); PubMed 21365267 (cited by Dasa and Ambry Genetics); PubMed 24136930 (cited by Dasa and Labcorp Genetics (formerly Invitae), Labcorp); PubMed 31841383 (cited by Dasa); PubMed 17200671 (cited by Labcorp Genetics (formerly Invitae), Labcorp); PubMed 17200672 (cited by Labcorp Genetics (formerly Invitae), Labcorp); PubMed 28858227 (cited by Ambry Genetics); PubMed 29922827 (cited by Quest Diagnostics Nichols Institute San Juan Capistrano).

NM_024675.4(PALB2):c.1671_1674del (p.Ile558fs)

Gene: PALB2 (partner and localizer of BRCA2; minus strand). Cytogenetic location: 16p12.2.
Variant type: Microsatellite.
Coding change: c.1671_1674del on transcript NM_024675.4 (MANE Select); coding-DNA positions 1671 to 1674, 4 bases deleted (TATT; older notation c.1671_1674delTATT).
Protein change: p.Ile558fs; shifts the reading frame from isoleucine 558.
Molecular consequence: frameshift variant.
Genome position (GRCh38, 1-based): chr16:23,634,872-23,634,875, AATA deleted on the plus strand (TATT on the coding strand, the reverse complement: PALB2 is on the minus strand); deleting any 4 consecutive bases within chr16:23,634,872-23,634,880 gives the same sequence; the c. name uses the placement nearest the transcript's 3' end. VCF-style (leftmost placement, unchanged base first): chr16-23634871-GAATA-G. GRCh37 (hg19) VCF-style: chr16-23646192-GAATA-G.
Other names: c.1671_1674delTATT (NM_024675.3); short protein forms I558fs.
Identifiers: ClinVar variation 410108 (VCV000410108.39), dbSNP rs1060502734, ClinGen allele CA16614844.